The following is an entry in ClinVar:

NM_172362.3(KCNH1):c.2113-21TC[10]

Gene: KCNH1 (potassium voltage-gated channel subfamily H member 1; minus strand). Cytogenetic location: 1q32.2.
Variant type: Microsatellite.
Coding change: c.2113-21TC[10] on transcript NM_172362.3 (MANE Select); ten copies in a row of the 2-base unit TC starting at c.2113-21; the reference has nine copies in a row; one copy, 2 bases duplicated.
Molecular consequence: intron variant.
Genome position (GRCh38, 1-based): chr1:210,684,142-210,684,143, GA duplicated on the plus strand (TC on the coding strand, the reverse complement: KCNH1 is on the minus strand); duplicating any 2 consecutive bases within chr1:210,684,142-210,684,159 gives the same sequence; the position shown is the placement nearest the transcript's 3' end. VCF-style (leftmost placement, unchanged base first): chr1-210684141-G-GGA. GRCh37 (hg19) VCF-style: chr1-210857483-G-GGA.
Other names: p.?; c.2032-21TC[10] (NM_002238.4); c.2113-5_2113-4dup (NM_172362.3).
Identifiers: ClinVar variation 1593964 (VCV001593964.16), dbSNP rs144706702, ClinGen allele CA1379755.

ClinVar aggregate classification (germline): Benign. Review status: criteria provided, multiple submitters, no conflicts (2 of 4 stars). 3 submissions from 3 submitters: Benign (3). Last evaluated 2026-07-01.

Submissions (3):

CeGaT Center for Human Genetics Tuebingen
Classification: Benign. Last evaluated: 2026-07-01. Review status: criteria provided, single submitter. Criteria: CeGaT Center For Human Genetics Tuebingen Variant Classification Criteria Version 2. Collection method: clinical testing. Allele origin: germline. Affected: yes. Observed: 38 variant alleles.
Comment: KCNH1: BP4, BS1, BS2

Labcorp Genetics (formerly Invitae), Labcorp
Classification: Benign. Last evaluated: 2026-02-03. Review status: criteria provided, single submitter. Criteria: Invitae Variant Classification Sherloc (09022015). Collection method: clinical testing. Allele origin: germline.

Mayo Clinic Laboratories, Mayo Clinic
Classification: Benign. Last evaluated: 2022-07-01. Review status: criteria provided, single submitter. Criteria: ACMG Guidelines, 2015. Collection method: clinical testing. Allele origin: germline. Observed: 34 variant alleles.